The following is an entry in ClinVar:

ClinVar aggregate classification (germline): Conflicting classifications of pathogenicity. Review status: criteria provided, conflicting classifications (1 of 4 stars). 9 submissions from 9 submitters: Uncertain significance (1); Benign (1); Likely benign (7). Last evaluated 2026-01-26.

Conditions:
DOLK-related disorder. Also called: DOLK-related condition.
Cardiovascular phenotype. Identifiers: MedGen CN230736.
DK1-congenital disorder of glycosylation. Also called: DOLK-congenital disorder of glycosylation; Carbohydrate deficient glycoprotein syndrome type 1m; CDG Im; CONGENITAL DISORDER OF GLYCOSYLATION, TYPE Im; DK1 DEFICIENCY; DOLICHOL KINASE DEFICIENCY. Identifiers: Orphanet 91131, MedGen C1835849, MONDO:0012556, OMIM 610768.

Allele frequency attached by ClinVar (database versions not stated): ESP Exome Variant Server 0.00015; 1000 Genomes Project 30x 0.00016; 1000 Genomes Project 0.00020; TOPMed 0.00022; gnomAD exomes 0.00032 and 0.00048; ExAC 0.00043; gnomAD 0.00045.
gnomAD v4.1: 529 of 1,613,860 alleles (0.033%); highest among the groups gnomAD compares: Non-Finnish European, 0.031%; no homozygotes.

Submissions (9):

Labcorp Genetics (formerly Invitae), Labcorp
Classification: Likely benign for DK1-congenital disorder of glycosylation. Last evaluated: 2026-01-26. Review status: criteria provided, single submitter. Criteria: Invitae Variant Classification Sherloc (09022015). Collection method: clinical testing. Allele origin: germline.

PreventionGenetics, part of Exact Sciences
Classification: Likely benign for DOLK-related condition. Last evaluated: 2025-08-20. Review status: criteria provided, single submitter. Criteria: ACMG Guidelines, 2015. Collection method: clinical testing. Allele origin: germline.
Comment: This variant is classified as likely benign based on ACMG/AMP sequence variant interpretation guidelines (Richards et al. 2015 PMID: 25741868, with internal and published modifications).

Laboratory of Genetics, Children's Clinical University Hospital Latvia
Classification: Benign. Last evaluated: 2025-02-16. Review status: criteria provided, single submitter. Criteria: ACMG Guidelines, 2015. Collection method: clinical testing. Allele origin: germline. Affected: yes.

Women's Health and Genetics/Laboratory Corporation of America, LabCorp
Classification: Likely benign. Last evaluated: 2025-01-10. Review status: criteria provided, single submitter. Criteria: LabCorp Variant Classification Summary - May 2015. Collection method: clinical testing. Allele origin: germline.

Blueprint Genetics
Classification: Likely benign. Last evaluated: 2024-10-14. Review status: criteria provided, single submitter. Criteria: ACMG Guidelines, 2015. Collection method: clinical testing. Allele origin: germline.

Ambry Genetics
Classification: Likely benign for Cardiovascular phenotype. Last evaluated: 2019-03-18. Review status: criteria provided, single submitter. Criteria: Ambry Variant Classification Scheme 2023. Collection method: clinical testing. Allele origin: germline.

Illumina Laboratory Services, Illumina
Classification: Uncertain significance for DK1-congenital disorder of glycosylation. Last evaluated: 2018-01-12. Review status: criteria provided, single submitter. Criteria: ICSL Variant Classification Criteria 13 December 2019. Collection method: clinical testing. Allele origin: germline.

Laboratory for Molecular Medicine, Mass General Brigham Personalized Medicine
Classification: Likely benign. Last evaluated: 2017-06-02. Review status: criteria provided, single submitter. Criteria: LMM Criteria. Collection method: clinical testing. Allele origin: germline. Observed: 1 variant allele.
Comment: p.Val175Val in exon 1 of DOLK: This variant is not expected to have clinical sig nificance because it does not alter an amino acid residue and is not located wit hin the splice consensus sequence. It has been identified in 84/126560 European chromosomes by the Genome Aggregation Database (gnomAD; dbSNP rs200278288).

GeneDx
Classification: Likely benign. Last evaluated: 2017-02-14. Review status: criteria provided, single submitter. Criteria: GeneDx Variant Classification (06012015). Collection method: clinical testing. Allele origin: germline. Affected: yes.
Comment: This variant is considered likely benign or benign based on one or more of the following criteria: it is a conservative change, it occurs at a poorly conserved position in the protein, it is predicted to be benign by multiple in silico algorithms, and/or has population frequency not consistent with disease.

NM_014908.4(DOLK):c.525T>G (p.Val175=)

Gene: DOLK (dolichol kinase; minus strand). Cytogenetic location: 9q34.11.
Variant type: single nucleotide variant.
Coding change: c.525T>G on transcript NM_014908.4 (MANE Select); coding-DNA position 525, T replaced by G.
Protein change: p.Val175=; no amino-acid change (valine 175 retained).
Molecular consequence: synonymous variant.
Genome position (GRCh38, 1-based): chr9:128,946,779, A>C on the plus strand (T>G on the coding strand, the complement: DOLK is on the minus strand). VCF-style: chr9-128946779-A-C. GRCh37 (hg19) VCF-style: chr9-131709058-A-C.
Identifiers: ClinVar variation 384847 (VCV000384847.28), dbSNP rs200278288, ClinGen allele CA5271728.
Genomic context (GRCh38, chr9:128,946,779, plus strand): 5'-CAGTGCCTCACCAGGGGTGAAGCAGCGGGGCAGCAGGTACAGCAGGATCATGTTGAGATA[A>C]ACGAAGATCAGAAGGACTTCCAGGACTTCGATCACCTCCCCCACGCTCAACGAGTGCTTC-3'
Protein context (NP_055723.1, residues 165-185): IEVLEVLLIF[Val175=]YLNMILLYLL